The following is an entry in ClinVar:

NM_000540.3(RYR1):c.6814C>T (p.Pro2272Ser)

Gene: RYR1 (ryanodine receptor 1; plus strand). Cytogenetic location: 19q13.2.
Variant type: single nucleotide variant.
Coding change: c.6814C>T on transcript NM_000540.3 (MANE Select); coding-DNA position 6814, C replaced by T.
Protein change: p.Pro2272Ser; replaces proline 2272 with serine.
Molecular consequence: missense variant.
Genome position (GRCh38, 1-based): chr19:38,496,877, C>T. VCF-style: chr19-38496877-C-T. GRCh37 (hg19) VCF-style: chr19-38987517-C-T.
Other names: c.6814C>T, p.Pro2272Ser (NM_001042723.2); short protein forms P2272S.
Identifiers: ClinVar variation 1189548 (VCV001189548.5), dbSNP rs777460436, ClinGen allele CA082196.

ClinVar aggregate classification (germline): Conflicting classifications of pathogenicity. Review status: criteria provided, conflicting classifications (1 of 4 stars). 2 submissions from 2 submitters: Likely pathogenic (1); Uncertain significance (1). Last evaluated 2023-01-24.

Conditions:
RYR1-related disorder. Also called: RYR1-related disorders; RYR1-related condition. Identifiers: MedGen CN239331.

Allele frequency attached by ClinVar (database versions not stated): gnomAD exomes below 0.00001; ExAC 0.00001.
gnomAD v4.1: 2 of 1,613,480 alleles (0.00012%); highest among the groups gnomAD compares: East Asian, 0.0022%; no homozygotes.

Submissions (2):

Labcorp Genetics (formerly Invitae), Labcorp
Classification: Uncertain significance for RYR1-related disorder. Last evaluated: 2023-01-24. Review status: criteria provided, single submitter. Criteria: Invitae Variant Classification Sherloc (09022015). Collection method: clinical testing. Allele origin: germline.
Comment: This sequence change replaces proline, which is neutral and non-polar, with serine, which is neutral and polar, at codon 2272 of the RYR1 protein (p.Pro2272Ser). This variant is present in population databases (rs777460436, gnomAD 0.007%). This variant has not been reported in the literature in individuals affected with RYR1-related conditions. ClinVar contains an entry for this variant (Variation ID: 1189548). Advanced modeling of protein sequence and biophysical properties (such as structural, functional, and spatial information, amino acid conservation, physicochemical variation, residue mobility, and thermodynamic stability) performed at Invitae indicates that this missense variant is expected to disrupt RYR1 protein function. In summary, the available evidence is currently insufficient to determine the role of this variant in disease. Therefore, it has been classified as a Variant of Uncertain Significance.

GeneDx
Classification: Likely pathogenic. Last evaluated: 2020-05-14. Review status: criteria provided, single submitter. Criteria: GeneDx Variant Classification Process June 2021. Collection method: clinical testing. Allele origin: germline. Affected: yes.
Comment: Not observed at a significant frequency in large population cohorts (Lek et al., 2016); In silico analysis, which includes protein predictors and evolutionary conservation, supports a deleterious effect; Has not been previously published as pathogenic or benign to our knowledge